The following is an entry in ClinVar:

NM_003801.4(GPAA1):c.1282G>T (p.Val428Leu)

Gene: GPAA1 (glycosylphosphatidylinositol anchor attachment 1; plus strand). Cytogenetic location: 8q24.3.
Variant type: single nucleotide variant.
Coding change: c.1282G>T on transcript NM_003801.4 (MANE Select); coding-DNA position 1282, G replaced by T.
Protein change: p.Val428Leu; replaces valine 428 with leucine.
Molecular consequence: missense variant.
Genome position (GRCh38, 1-based): chr8:144,085,310, G>T. VCF-style: chr8-144085310-G-T. GRCh37 (hg19) VCF-style: chr8-145140213-G-T.
Other names: short protein forms V428L.
Identifiers: ClinVar variation 2032649 (VCV002032649.1), dbSNP rs782168461, ClinGen allele CA372503357.
Genomic context (GRCh38, chr8:144,085,310, plus strand): 5'-GCCCCAGGGTCCATCTCCAAGAGCCTGTGTGCCCTGCAGGGTGTGGGGCTGGCCTCGCTC[G>T]TGGCACCTCTGCTGATCTCACAGGCCATGGGACTGGCCCTCTATGTCCTGCCAGTGCTGG-3'
Protein context (NP_003792.1, residues 418-438): PSQGVGLASL[Val428Leu]APLLISQAMG

ClinVar aggregate classification (germline): Uncertain significance (1 of 4 stars; one submission).

Submission:

Labcorp Genetics (formerly Invitae), Labcorp
Classification: Uncertain significance. Last evaluated: 2022-05-08. Review status: criteria provided, single submitter. Criteria: Invitae Variant Classification Sherloc (09022015). Collection method: clinical testing. Allele origin: germline.
Comment: This sequence change replaces valine, which is neutral and non-polar, with leucine, which is neutral and non-polar, at codon 428 of the GPAA1 protein (p.Val428Leu). This variant is not present in population databases (gnomAD no frequency). This variant has not been reported in the literature in individuals affected with GPAA1-related conditions. Algorithms developed to predict the effect of missense changes on protein structure and function (SIFT, PolyPhen-2, Align-GVGD) all suggest that this variant is likely to be tolerated. In summary, the available evidence is currently insufficient to determine the role of this variant in disease. Therefore, it has been classified as a Variant of Uncertain Significance.